The following is an entry in ClinVar:

ClinVar aggregate classification (germline): Uncertain significance (1 of 4 stars; one submission).

Submission:

Laboratory for Molecular Medicine, Mass General Brigham Personalized Medicine
Classification: Uncertain significance. Last evaluated: 2014-07-03. Review status: criteria provided, single submitter. Criteria: LMM Criteria. Collection method: clinical testing. Allele origin: germline. Observed: 1 variant allele.
Comment: The Arg1010Ser variant in CDH23 has not been previously reported in individuals with hearing loss or from large population studies. Computational prediction too ls and conservation analyses suggest this variant may impact the protein, though this information is not predictive enough to determine pathogenicity. In summa ry, additional information is needed to fully assess the clinical significance o f this variant.

NM_022124.6(CDH23):c.3028C>A (p.Arg1010Ser)

Gene: CDH23 (cadherin related 23; plus strand). Cytogenetic location: 10q22.1.
Variant type: single nucleotide variant.
Coding change: c.3028C>A on transcript NM_022124.6 (MANE Select); coding-DNA position 3028, C replaced by A.
Protein change: p.Arg1010Ser; replaces arginine 1010 with serine.
Molecular consequence: missense variant.
Genome position (GRCh38, 1-based): chr10:71,706,971, C>A. VCF-style: chr10-71706971-C-A. GRCh37 (hg19) VCF-style: chr10-73466728-C-A.
Other names: c.3028C>A, p.Arg1010Ser (NM_001171930.2, NM_001171931.2); short protein forms R1010S.
Identifiers: ClinVar variation 179854 (VCV000179854.4), dbSNP rs727505173, ClinGen allele CA185276.